The following is an entry in ClinVar:

ClinVar aggregate classification (germline): Uncertain significance (1 of 4 stars; one submission).

Conditions:
Hereditary cancer-predisposing syndrome. Also called: Hereditary Cancer Syndrome; Hereditary neoplastic syndrome; Tumor predisposition; Neoplastic Syndromes, Hereditary. Identifiers: Orphanet 140162, MedGen C0027672, MeSH D009386, MONDO:0015356.

gnomAD v4.1: 1 of 1,613,512 alleles (0.000062%); highest among the groups gnomAD compares: East Asian, 0.0022%; no homozygotes.

Submission:

Ambry Genetics
Classification: Uncertain significance for Hereditary cancer-predisposing syndrome. Last evaluated: 2021-12-10. Review status: criteria provided, single submitter. Criteria: Ambry Variant Classification Scheme 2023. Collection method: clinical testing. Allele origin: germline.
Comment: The p.W8G variant (also known as c.22T>G), located in coding exon 1 of the KIT gene, results from a T to G substitution at nucleotide position 22. The tryptophan at codon 8 is replaced by glycine, an amino acid with highly dissimilar properties. This amino acid position is conserved. In addition, this alteration is predicted to be tolerated by in silico analysis. Since supporting evidence is limited at this time, the clinical significance of this alteration remains unclear.

NM_000222.3(KIT):c.22T>G (p.Trp8Gly)

Gene: KIT (KIT proto-oncogene, receptor tyrosine kinase; plus strand). Cytogenetic location: 4q12.
Variant type: single nucleotide variant.
Coding change: c.22T>G on transcript NM_000222.3 (MANE Select); coding-DNA position 22, T replaced by G.
Protein change: p.Trp8Gly; replaces tryptophan 8 with glycine.
Molecular consequence: missense variant.
Genome position (GRCh38, 1-based): chr4:54,658,036, T>G. VCF-style: chr4-54658036-T-G. GRCh37 (hg19) VCF-style: chr4-55524203-T-G.
Other names: c.22T>G, p.Trp8Gly (NM_001093772.2, NM_001385284.1, NM_001385285.1 and 4 more transcripts); short protein forms W8G.
Identifiers: ClinVar variation 1789276 (VCV001789276.2), dbSNP rs1577898533, ClinGen allele CA356897889.
Genomic context (GRCh38, chr4:54,658,036, plus strand): 5'-AACGTGGACCAGAGCTCGGATCCCATCGCAGCTACCGCGATGAGAGGCGCTCGCGGCGCC[T>G]GGGATTTTCTCTGCGTTCTGCTCCTACTGCTTCGCGTCCAGACAGGTGGGACACCGCGGC-3'
Protein context (NP_000213.1, residues 1-18): MRGARGA[Trp8Gly]DFLCVLLLLL